The following is an entry in ClinVar:

ClinVar aggregate classification (germline): Uncertain significance. Review status: criteria provided, multiple submitters, no conflicts (2 of 4 stars). 2 submissions from 2 submitters: Uncertain significance (2). Last evaluated 2025-02-22.

Conditions:
Inborn genetic diseases. Identifiers: MedGen C0950123, MeSH D030342.

Allele frequency attached by ClinVar (database versions not stated): TOPMed 0.00003; ESP Exome Variant Server 0.00008; ExAC 0.00003; gnomAD 0.00003; gnomAD exomes 0.00003.
gnomAD v4.1: 39 of 1,609,966 alleles (0.0024%); highest among the groups gnomAD compares: East Asian, 0.022%; no homozygotes.

Submissions (2):

Ambry Genetics
Classification: Uncertain significance for Inborn genetic diseases. Last evaluated: 2025-02-22. Review status: criteria provided, single submitter. Criteria: Ambry Variant Classification Scheme 2023. Collection method: clinical testing. Allele origin: germline.

Labcorp Genetics (formerly Invitae), Labcorp
Classification: Uncertain significance. Last evaluated: 2022-08-08. Review status: criteria provided, single submitter. Criteria: Invitae Variant Classification Sherloc (09022015). Collection method: clinical testing. Allele origin: germline.
Comment: This sequence change replaces arginine, which is basic and polar, with glutamine, which is neutral and polar, at codon 13 of the NDUFS7 protein (p.Arg13Gln). This variant is present in population databases (rs373814004, gnomAD 0.01%). This variant has not been reported in the literature in individuals affected with NDUFS7-related conditions. ClinVar contains an entry for this variant (Variation ID: 1450224). Algorithms developed to predict the effect of missense changes on protein structure and function output the following: SIFT: "Tolerated"; PolyPhen-2: "Benign"; Align-GVGD: "Class C0". The glutamine amino acid residue is found in multiple mammalian species, which suggests that this missense change does not adversely affect protein function. Algorithms developed to predict the effect of sequence changes on RNA splicing suggest that this variant may create or strengthen a splice site. In summary, the available evidence is currently insufficient to determine the role of this variant in disease. Therefore, it has been classified as a Variant of Uncertain Significance.

NM_024407.5(NDUFS7):c.38G>A (p.Arg13Gln)

Gene: NDUFS7 (NADH:ubiquinone oxidoreductase core subunit S7; plus strand). Cytogenetic location: 19p13.3.
Variant type: single nucleotide variant.
Coding change: c.38G>A on transcript NM_024407.5 (MANE Select); coding-DNA position 38, G replaced by A.
Protein change: p.Arg13Gln; replaces arginine 13 with glutamine.
Molecular consequence: missense variant.
Genome position (GRCh38, 1-based): chr19:1,387,832, G>A. VCF-style: chr19-1387832-G-A. GRCh37 (hg19) VCF-style: chr19-1387831-G-A.
Other names: c.38G>A, p.Arg13Gln (NM_001363602.2); c.38G>A (NM_024407.4); short protein forms R13Q.
Identifiers: ClinVar variation 1450224 (VCV001450224.4), dbSNP rs373814004, ClinGen allele CA9043023.
Genomic context (GRCh38, chr19:1,387,832, plus strand): 5'-CCGCAGCTCACTGTTCCCACCCCGTGGTCCTCTCTGCAGCTCCTGGCCTGCGCGGCTTCC[G>A]GATCCTTGGTCTGCGGTGAGTGCCTGAGTCTCCAGCCCTCAGCTGGGAGGGGCCTTCAGC-3'
Protein context (NP_077718.3, residues 3-23): VLSAPGLRGF[Arg13Gln]ILGLRSSVGP